The following is an entry in ClinVar:

NM_000639.3(FASLG):c.494C>T (p.Thr165Ile)

Gene: FASLG (Fas ligand; plus strand). Cytogenetic location: 1q24.3.
Variant type: single nucleotide variant.
Coding change: c.494C>T on transcript NM_000639.3 (MANE Select); coding-DNA position 494, C replaced by T.
Protein change: p.Thr165Ile; replaces threonine 165 with isoleucine.
Molecular consequence: missense variant. On other transcripts: 3 prime UTR variant (1).
Genome position (GRCh38, 1-based): chr1:172,665,664, C>T. VCF-style: chr1-172665664-C-T. GRCh37 (hg19) VCF-style: chr1-172634804-C-T.
Other names: c.*64C>T (NM_001302746.2); short protein forms T165I.
Identifiers: ClinVar variation 1337896 (VCV001337896.4), dbSNP rs1403553441, ClinGen allele CA343805981.
Genomic context (GRCh38, chr1:172,665,664, plus strand): 5'-CTTTTGGATTTATTTCAGGCAAGTCCAACTCAAGGTCCATGCCTCTGGAATGGGAAGACA[C>T]CTATGGAATTGTCCTGCTTTCTGGAGTGAAGTATAAGAAGGGTGGCCTTGTGATCAATGA-3'
Protein context (NP_000630.1, residues 155-175): SRSMPLEWED[Thr165Ile]YGIVLLSGVK

ClinVar aggregate classification (germline): Uncertain significance (1 of 4 stars; one submission).

Allele frequency attached by ClinVar (database versions not stated): gnomAD exomes below 0.00001.

Submission:

Genetic Services Laboratory, University of Chicago
Classification: Uncertain significance. Last evaluated: 2021-04-16. Review status: criteria provided, single submitter. Criteria: ACMG Guidelines, 2015. Collection method: clinical testing. Allele origin: germline. Affected: no.
Comment: DNA sequence analysis of the FASLG gene demonstrated a sequence change, c.494C>T, in exon 4 that results in an amino acid change, p.Thr165Ile. This sequence change does not appear to have been previously described in patients with FASLG-related disorders. This sequence change has been described in one non-Finnish European in the gnomAD population database (dbSNP rs1403553441). The p.Thr165Ile change affects a highly conserved amino acid residue located in a domain of the FASLG protein that is known to be functional. In-silico pathogenicity prediction tools (SIFT, PolyPhen2, Align GVGD, REVEL) provide contradictory results for the p.Thr165Ile substitution. Due to these contrasting evidences and the lack of functional studies, the clinical significance of the p.Thr165Ile change remains unknown at this time.